The following is an entry in ClinVar:

NM_004369.4(COL6A3):c.3316C>T (p.Pro1106Ser)

Gene: COL6A3 (collagen type VI alpha 3 chain; minus strand). Cytogenetic location: 2q37.3.
Variant type: single nucleotide variant.
Coding change: c.3316C>T on transcript NM_004369.4 (MANE Select); coding-DNA position 3316, C replaced by T.
Protein change: p.Pro1106Ser; replaces proline 1106 with serine.
Molecular consequence: missense variant.
Genome position (GRCh38, 1-based): chr2:237,374,775, G>A on the plus strand (C>T on the coding strand, the complement: COL6A3 is on the minus strand). VCF-style: chr2-237374775-G-A. GRCh37 (hg19) VCF-style: chr2-238283418-G-A.
Other names: c.2095C>T, p.Pro699Ser (NM_057164.5); c.2698C>T, p.Pro900Ser (NM_057165.5, NM_057167.4); c.1495C>T, p.Pro499Ser (NM_057166.5); short protein forms P499S, P699S, P900S, P1106S.
Identifiers: ClinVar variation 4987560 (VCV004987560.1).

ClinVar aggregate classification (germline): Uncertain significance (1 of 4 stars; one submission).

Conditions:
COL6A3-related disorder. Also called: COL6A3-related disorders; COL6A3-related condition.

Submission:

PreventionGenetics, part of Exact Sciences
Classification: Uncertain significance for COL6A3-related condition. Last evaluated: 2026-06-25. Review status: criteria provided, single submitter. Criteria: ACMG Guidelines, 2015. Collection method: clinical testing. Allele origin: germline.
Comment: The COL6A3 c.3316C>T variant is predicted to result in the amino acid substitution p.Pro1106Ser. To our knowledge, this variant has not been reported in the literature or in a large population database (gnomAD), indicating this variant is rare. At this time, the clinical significance of this variant is uncertain due to the absence of conclusive functional and genetic evidence.